The following is an entry in ClinVar:

NM_005633.4(SOS1):c.2673+24A>C

Gene: SOS1 (SOS Ras/Rac guanine nucleotide exchange factor 1; minus strand). Cytogenetic location: 2p22.1.
Variant type: single nucleotide variant.
Coding change: c.2673+24A>C on transcript NM_005633.4 (MANE Select); 24 bases into the intron after coding-DNA position 2673, A replaced by C.
Molecular consequence: intron variant.
Genome position (GRCh38, 1-based): chr2:39,007,007, T>G on the plus strand (A>C on the coding strand, the complement: SOS1 is on the minus strand). VCF-style: chr2-39007007-T-G. GRCh37 (hg19) VCF-style: chr2-39234148-T-G.
Other names: c.2652+24A>C (NM_001382394.1); c.2673+24A>C (NM_001382395.1).
Identifiers: ClinVar variation 4977170 (VCV004977170.1).

ClinVar aggregate classification (germline): Likely benign (1 of 4 stars; one submission).

Conditions:
SOS1-related disorder. Also called: SOS1-related condition.

gnomAD v4.1: 237 of 1,548,050 alleles (0.015%); highest among the groups gnomAD compares: Non-Finnish European, 0.02%; 1 homozygote.

Submission:

PreventionGenetics, part of Exact Sciences
Classification: Likely benign for SOS1-related condition. Last evaluated: 2024-11-20. Review status: criteria provided, single submitter. Criteria: ACMG Guidelines, 2015. Collection method: clinical testing. Allele origin: germline.
Comment: This variant is classified as likely benign based on ACMG/AMP sequence variant interpretation guidelines (Richards et al. 2015 PMID: 25741868, with internal and published modifications).